The following is an entry in ClinVar:

ClinVar aggregate classification (germline): Uncertain significance. Review status: criteria provided, multiple submitters, no conflicts (2 of 4 stars). 2 submissions from 2 submitters: Uncertain significance (2). Last evaluated 2025-09-18.

Conditions:
Idiopathic Pulmonary Fibrosis. Also called: Idiopathic fibrosing alveolitis, chronic form; idiopathic fibrosing alveolitis. Identifiers: Orphanet 2032, MedGen C1800706, MeSH D054990, MONDO:0800504.
Dyskeratosis congenita, autosomal dominant 2. Identifiers: MedGen C3151443, MONDO:0013521, OMIM 613989.
Dyskeratosis congenita. Identifiers: Orphanet 1775, MedGen C0265965, MONDO:0015780.

Submissions (2):

Ambry Genetics
Classification: Uncertain significance for Dyskeratosis congenita. Last evaluated: 2025-09-18. Review status: criteria provided, single submitter. Criteria: Ambry Variant Classification Scheme 2023. Collection method: clinical testing. Allele origin: germline.
Comment: The p.L346P variant (also known as c.1037T>C), located in coding exon 2 of the TERT gene, results from a T to C substitution at nucleotide position 1037. The leucine at codon 346 is replaced by proline, an amino acid with similar properties. This amino acid position is conserved. In addition, the in silico prediction for this alteration is inconclusive. Based on the available evidence, the clinical significance of this variant remains unclear.

Labcorp Genetics (formerly Invitae), Labcorp
Classification: Uncertain significance for Dyskeratosis congenita, autosomal dominant 2; Idiopathic Pulmonary Fibrosis. Last evaluated: 2024-11-22. Review status: criteria provided, single submitter. Criteria: Invitae Variant Classification Sherloc (09022015). Collection method: clinical testing. Allele origin: germline.
Comment: This sequence change replaces leucine, which is neutral and non-polar, with proline, which is neutral and non-polar, at codon 346 of the TERT protein (p.Leu346Pro). This variant is not present in population databases (gnomAD no frequency). This variant has not been reported in the literature in individuals affected with TERT-related conditions. ClinVar contains an entry for this variant (Variation ID: 1403609). Invitae Evidence Modeling of protein sequence and biophysical properties (such as structural, functional, and spatial information, amino acid conservation, physicochemical variation, residue mobility, and thermodynamic stability) indicates that this missense variant is not expected to disrupt TERT protein function with a negative predictive value of 95%. In summary, the available evidence is currently insufficient to determine the role of this variant in disease. Therefore, it has been classified as a Variant of Uncertain Significance.

NM_198253.3(TERT):c.1037T>C (p.Leu346Pro)

Gene: TERT (telomerase reverse transcriptase; minus strand). Cytogenetic location: 5p15.33.
Variant type: single nucleotide variant.
Coding change: c.1037T>C on transcript NM_198253.3 (MANE Select); coding-DNA position 1037, T replaced by C.
Protein change: p.Leu346Pro; replaces leucine 346 with proline.
Molecular consequence: missense variant. On other transcripts: non-coding transcript variant (2).
Genome position (GRCh38, 1-based): chr5:1,293,849, A>G on the plus strand (T>C on the coding strand, the complement: TERT is on the minus strand). VCF-style: chr5-1293849-A-G. GRCh37 (hg19) VCF-style: chr5-1293964-A-G.
Other names: c.1037T>C, p.Leu346Pro (NM_001193376.3); short protein forms L346P.
Identifiers: ClinVar variation 1403609 (VCV001403609.11), dbSNP rs2126686240, ClinGen allele CA359055839.